The following is an entry in ClinVar:

NM_000158.4(GBE1):c.1053del (p.Phe351fs)

Gene: GBE1 (1,4-alpha-glucan branching enzyme 1; minus strand). Cytogenetic location: 3p12.2.
Variant type: Deletion.
Coding change: c.1053del on transcript NM_000158.4 (MANE Select); coding-DNA position 1053, one base deleted (T; older notation c.1053delT).
Protein change: p.Phe351fs; shifts the reading frame from phenylalanine 351.
Molecular consequence: frameshift variant.
Genome position (GRCh38, 1-based): chr3:81,593,963, A deleted on the plus strand (T on the coding strand, the reverse complement: GBE1 is on the minus strand); the first of 3 consecutive A bases (chr3:81,593,963-81,593,965); deleting any one gives the same sequence. VCF-style (leftmost placement, unchanged base first): chr3-81593962-CA-C. GRCh37 (hg19) VCF-style: chr3-81643113-CA-C.
Other names: short protein forms F351fs.
Identifiers: ClinVar variation 2675847 (VCV002675847.4), dbSNP rs2471744884, ClinGen allele CA2695197939.

ClinVar aggregate classification (germline): Pathogenic/Likely pathogenic. Review status: criteria provided, multiple submitters, no conflicts (2 of 4 stars). 2 submissions from 2 submitters: Pathogenic (1); Likely pathogenic (1). Last evaluated 2024-01-08.

Conditions:
Glycogen storage disease, type IV (GSD4). Also called: AMYLOPECTINOSIS; ANDERSEN DISEASE; BRANCHER DEFICIENCY; CIRRHOSIS, FAMILIAL, WITH DEPOSITION OF ABNORMAL GLYCOGEN; GBE1 DEFICIENCY; GLYCOGEN BRANCHING ENZYME DEFICIENCY. Identifiers: Orphanet 367, MedGen C0017923, MONDO:0009292, OMIM 232500.
Glycogen storage disease IV, classic hepatic. Also called: GSD IV, CLASSIC HEPATIC. Identifiers: MedGen C1856301.

Submissions (2):

Labcorp Genetics (formerly Invitae), Labcorp
Classification: Pathogenic for Glycogen storage disease, type IV; Glycogen storage disease IV, classic hepatic. Last evaluated: 2024-01-08. Review status: criteria provided, single submitter. Criteria: Invitae Variant Classification Sherloc (09022015). Collection method: clinical testing. Allele origin: germline.
Comment: This sequence change creates a premature translational stop signal (p.Phe351Leufs*35) in the GBE1 gene. It is expected to result in an absent or disrupted protein product. Loss-of-function variants in GBE1 are known to be pathogenic (PMID: 15452297, 20058079). This variant is not present in population databases (gnomAD no frequency). This variant has not been reported in the literature in individuals affected with GBE1-related conditions. For these reasons, this variant has been classified as Pathogenic.

Baylor Genetics
Classification: Likely pathogenic for Glycogen storage disease, type IV. Last evaluated: 2023-10-10. Review status: criteria provided, single submitter. Criteria: ACMG Guidelines, 2015. Collection method: clinical testing. Allele origin: unknown.

Literature cited by the submitters: PubMed 15452297 (cited by Labcorp Genetics (formerly Invitae), Labcorp); PubMed 20058079 (cited by Labcorp Genetics (formerly Invitae), Labcorp).